The following is an entry in ClinVar:

ClinVar aggregate classification (germline): Likely benign. Review status: criteria provided, single submitter (1 of 4 stars). 2 submissions from 2 submitters: Likely benign (1). 1 of the submissions does not count toward it. Last evaluated 2025-10-08.

Conditions:
ATM-related disorder. Also called: ATM-related disorders; ATM-related condition.
Ataxia-telangiectasia syndrome (AT). Also called: Ataxia-telangiectasia, complementation group E; Ataxia-telangiectasia, complementation group D; Ataxia telangiectasia (A-T); LOUIS-BAR SYNDROME; ATAXIA-TELANGIECTASIA, COMPLEMENTATION GROUP A; ATAXIA-TELANGIECTASIA, FRESNO VARIANT. Identifiers: Orphanet 100, MedGen C0004135, MONDO:0008840, OMIM 208900.

Submissions (2):

Labcorp Genetics (formerly Invitae), Labcorp
Classification: Likely benign for Ataxia-telangiectasia syndrome. Last evaluated: 2025-10-08. Review status: criteria provided, single submitter. Criteria: Invitae Variant Classification Sherloc (09022015). Collection method: clinical testing. Allele origin: germline.

PreventionGenetics, part of Exact Sciences
Classification: Likely benign for ATM-related condition. Last evaluated: 2023-04-27. Review status: no assertion criteria provided. Collection method: clinical testing. Allele origin: germline. Not counted in ClinVar's aggregate classification.
Comment: This variant is classified as likely benign based on ACMG/AMP sequence variant interpretation guidelines (Richards et al. 2015 PMID: 25741868, with internal and published modifications).

NM_000051.4(ATM):c.5685C>T (p.His1895=)

Gene: ATM (ATM serine/threonine kinase; plus strand). Cytogenetic location: 11q22.3.
Variant type: single nucleotide variant.
Coding change: c.5685C>T on transcript NM_000051.4 (MANE Select); coding-DNA position 5685, C replaced by T.
Protein change: p.His1895=; no amino-acid change (histidine 1895 retained).
Molecular consequence: synonymous variant.
Genome position (GRCh38, 1-based): chr11:108,307,907, C>T. VCF-style: chr11-108307907-C-T. GRCh37 (hg19) VCF-style: chr11-108178634-C-T.
Other names: c.5685C>T, p.His1895= (NM_001351834.2).
Identifiers: ClinVar variation 794415 (VCV000794415.11), dbSNP rs889445709, ClinGen allele CA476675218.